The following is an entry in ClinVar:

ClinVar aggregate classification (germline): Uncertain significance (1 of 4 stars; one submission).

Conditions:
Combined immunodeficiency with skin granulomas. Identifiers: Orphanet 157949, MedGen C2673536, MONDO:0009306, OMIM 233650.
Severe combined immunodeficiency, autosomal recessive, T cell-negative, B cell-negative, NK cell-positive. Also called: Severe combined immunodeficiency due to complete RAG1/2 deficiency; SCID, T CELL-NEGATIVE, B CELL-NEGATIVE, NK CELL-POSITIVE; SCID, AR, T-cell negative, B-cell negative, NK cell-positive. Identifiers: Orphanet 331206, MedGen C1832322, MONDO:0011086, OMIM 601457.

Submission:

Labcorp Genetics (formerly Invitae), Labcorp
Classification: Uncertain significance for Combined immunodeficiency with skin granulomas; Severe combined immunodeficiency, autosomal recessive, T cell-negative, B cell-negative, NK cell-positive. Last evaluated: 2022-11-28. Review status: criteria provided, single submitter. Criteria: Invitae Variant Classification Sherloc (09022015). Collection method: clinical testing. Allele origin: germline.
Comment: This sequence change replaces glycine, which is neutral and non-polar, with alanine, which is neutral and non-polar, at codon 449 of the RAG2 protein (p.Gly449Ala). This variant is not present in population databases (gnomAD no frequency). This variant has not been reported in the literature in individuals affected with RAG2-related conditions. Advanced modeling of protein sequence and biophysical properties (such as structural, functional, and spatial information, amino acid conservation, physicochemical variation, residue mobility, and thermodynamic stability) performed at Invitae indicates that this missense variant is expected to disrupt RAG2 protein function. In summary, the available evidence is currently insufficient to determine the role of this variant in disease. Therefore, it has been classified as a Variant of Uncertain Significance.

NM_000536.4(RAG2):c.1346G>C (p.Gly449Ala)

Gene: RAG2 (recombination activating 2; minus strand). Cytogenetic location: 11p12.
Variant type: single nucleotide variant.
Coding change: c.1346G>C on transcript NM_000536.4 (MANE Select); coding-DNA position 1346, G replaced by C.
Protein change: p.Gly449Ala; replaces glycine 449 with alanine.
Molecular consequence: missense variant.
Genome position (GRCh38, 1-based): chr11:36,592,823, C>G on the plus strand (G>C on the coding strand, the complement: RAG2 is on the minus strand). VCF-style: chr11-36592823-C-G. GRCh37 (hg19) VCF-style: chr11-36614373-C-G.
Other names: c.1346G>C, p.Gly449Ala (NM_001243785.2, NM_001243786.2); short protein forms G449A.
Identifiers: ClinVar variation 2075746 (VCV002075746.4), dbSNP rs1346815619, ClinGen allele CA380140565.
Genomic context (GRCh38, chr11:36,592,823, plus strand): 5'-AGATGGATGAGTGTGCGTTCTGCCAGATCCATGCACTGAGCATGGACCCAGTGCCCATCC[C>G]CATGAGAGCAGTAGATCATGGCGGGTTTGTTGAGCTCAGTTGAATAGAATGGTACCCAAG-3'
Protein context (NP_000527.2, residues 439-459): NKPAMIYCSH[Gly449Ala]DGHWVHAQCM